The following is an entry in ClinVar:

ClinVar aggregate classification (germline): Uncertain significance (1 of 4 stars; one submission).

Conditions:
Epidermolysis bullosa simplex 3, localized or generalized intermediate, with BP230 deficiency (EBS3). Also called: Epidermolysis bullosa simplex due to BP230 deficiency; Epidermolysis bullosa simplex, autosomal recessive 2. Identifiers: Orphanet 412181, MedGen C3809470, MONDO:0014180, OMIM 615425.
Hereditary sensory and autonomic neuropathy type 6. Also called: HSAN VI; Neuropathy, hereditary sensory and autonomic, type VI. Identifiers: Orphanet 314381, MedGen C3539003, MONDO:0013839, OMIM 614653.

Submission:

Labcorp Genetics (formerly Invitae), Labcorp
Classification: Uncertain significance for Epidermolysis bullosa simplex 3, localized or generalized intermediate, with BP230 deficiency; Hereditary sensory and autonomic neuropathy type 6. Last evaluated: 2018-08-11. Review status: criteria provided, single submitter. Criteria: Invitae Variant Classification Sherloc (09022015). Collection method: clinical testing. Allele origin: germline.
Comment: This sequence change replaces lysine with arginine at codon 1666 of the DST protein (p.Lys1666Arg). The lysine residue is weakly conserved and there is a small physicochemical difference between lysine and arginine. This variant is not present in population databases (ExAC no frequency). This variant has not been reported in the literature in individuals with DST-related disease. Algorithms developed to predict the effect of missense changes on protein structure and function are either unavailable or do not agree on the potential impact of this missense change (SIFT: "Tolerated"; PolyPhen-2: "Probably Damaging"; Align-GVGD: "Class C0"). In summary, the available evidence is currently insufficient to determine the role of this variant in disease. Therefore, it has been classified as a Variant of Uncertain Significance.

NM_001723.7(DST):c.4997A>G (p.Lys1666Arg)

Gene: DST (dystonin; minus strand). Cytogenetic location: 6p12.1.
Variant type: single nucleotide variant.
Coding change: c.4997A>G on transcript NM_001723.7 (MANE Plus Clinical); coding-DNA position 4997, A replaced by G.
Protein change: p.Lys1666Arg; replaces lysine 1666 with arginine.
Molecular consequence: missense variant. On other transcripts: intron variant (10).
Genome position (GRCh38, 1-based): chr6:56,619,037, T>C on the plus strand (A>G on the coding strand, the complement: DST is on the minus strand). VCF-style: chr6-56619037-T-C. GRCh37 (hg19) VCF-style: chr6-56483835-T-C.
Other names: c.4831-4553A>G (NM_001144769.5); c.4930-4553A>G (NM_001374722.1, NM_001374736.1); c.4957-4553A>G (NM_001374734.1); c.4417-4553A>G (NM_001144770.2); c.4297-4553A>G (NM_001374730.1, NM_001386100.1, NM_183380.4 and 1 more transcripts); c.3319-4553A>G (NM_015548.5); short protein forms K1666R.
Identifiers: ClinVar variation 658838 (VCV000658838.9), dbSNP rs1586817855, ClinGen allele CA364568382.